The following is an entry in ClinVar:

NM_002047.4(GARS1):c.1510A>G (p.Ile504Val)

Gene: GARS1 (glycyl-tRNA synthetase 1; plus strand). Cytogenetic location: 7p14.3.
Variant type: single nucleotide variant.
Coding change: c.1510A>G on transcript NM_002047.4 (MANE Select); coding-DNA position 1510, A replaced by G.
Protein change: p.Ile504Val; replaces isoleucine 504 with valine.
Molecular consequence: missense variant.
Genome position (GRCh38, 1-based): chr7:30,622,359, A>G. VCF-style: chr7-30622359-A-G. GRCh37 (hg19) VCF-style: chr7-30661975-A-G.
Other names: c.1348A>G, p.Ile450Val (NM_001316772.1); short protein forms I450V, I504V.
Identifiers: ClinVar variation 2720370 (VCV002720370.4), dbSNP rs187297343, ClinGen allele CA4205991.

ClinVar aggregate classification (germline): Uncertain significance. Review status: criteria provided, multiple submitters, no conflicts (2 of 4 stars). 2 submissions from 2 submitters: Uncertain significance (2). Last evaluated 2025-11-26.

Conditions:
Charcot-Marie-Tooth disease type 2. Also called: Charcot-Marie-Tooth type 2. Identifiers: Orphanet 64746, MedGen C0270914, MONDO:0018993.

Allele frequency attached by ClinVar (database versions not stated): ExAC 0.00001; gnomAD 0.00001; gnomAD exomes 0.00001; 1000 Genomes Project 0.00020; 1000 Genomes Project 30x 0.00031.
gnomAD v4.1: 9 of 1,614,180 alleles (0.00056%); highest among the groups gnomAD compares: Admixed American, 0.0017%; no homozygotes.

Submissions (2):

Labcorp Genetics (formerly Invitae), Labcorp
Classification: Uncertain significance for Charcot-Marie-Tooth disease type 2. Last evaluated: 2025-11-26. Review status: criteria provided, single submitter. Criteria: Invitae Variant Classification Sherloc (09022015). Collection method: clinical testing. Allele origin: germline.
Comment: This sequence change replaces isoleucine, which is neutral and non-polar, with valine, which is neutral and non-polar, at codon 504 of the GARS protein (p.Ile504Val). This variant is present in population databases (rs187297343, gnomAD 0.003%). This missense change has been observed in individual(s) with Charcot-Marie-Tooth disease (PMID: 32376792). ClinVar contains an entry for this variant (Variation ID: 2720370). Invitae Evidence Modeling of protein sequence and biophysical properties (such as structural, functional, and spatial information, amino acid conservation, physicochemical variation, residue mobility, and thermodynamic stability) indicates that this missense variant is not expected to disrupt GARS protein function with a negative predictive value of 95%. In summary, the available evidence is currently insufficient to determine the role of this variant in disease. Therefore, it has been classified as a Variant of Uncertain Significance.

ARUP Laboratories, Molecular Genetics and Genomics, ARUP Laboratories
Classification: Uncertain significance. Last evaluated: 2025-05-21. Review status: criteria provided, single submitter. Criteria: ARUP Molecular Germline Variant Investigation Process 2024. Collection method: clinical testing. Allele origin: germline.
Comment: The GARS1 c.1510A>G; p.Ile504Val variant (rs187297343, ClinVar Variation ID: 2720370) is reported in the literature in an individual affected with Charcot-Marie-Tooth disease (Volodarsky 2021). This variant is only observed on three alleles in the Genome Aggregation Database (v2.1.1), indicating it is not a common polymorphism. Computational analyses are uncertain whether this variant is neutral or deleterious (REVEL: 0.208). Due to limited information, the clinical significance of this variant is uncertain at this time. References: Volodarsky M et al., Comprehensive genetic sequence and copy number analysis for Charcot-Marie-Tooth disease in a Canadian cohort of 2517 patients. J Med Genet. 2021 Apr;58(4):284-288. PMID: 32376792.

Literature cited by the submitters: PubMed 32376792 (cited by Labcorp Genetics (formerly Invitae), Labcorp).